The following is an entry in ClinVar:

ClinVar aggregate classification (germline): Likely benign. Review status: criteria provided, multiple submitters, no conflicts (2 of 4 stars). 2 submissions from 2 submitters: Likely benign (2). Last evaluated 2025-01-17.

Conditions:
BDP1-related disorder. Also called: BDP1-related condition.

Allele frequency attached by ClinVar (database versions not stated): gnomAD exomes 0.00002 and 0.00007; ExAC 0.00010; gnomAD 0.00021; TOPMed 0.00033; 1000 Genomes Project 0.00040; ESP Exome Variant Server 0.00051; 1000 Genomes Project 30x 0.00062.
gnomAD v4.1: 67 of 1,573,232 alleles (0.0043%); highest among the groups gnomAD compares: African/African-American, 0.082%; no homozygotes.

Submissions (2):

PreventionGenetics, part of Exact Sciences
Classification: Likely benign for BDP1-related condition. Last evaluated: 2025-01-17. Review status: criteria provided, single submitter. Criteria: ACMG Guidelines, 2015. Collection method: clinical testing. Allele origin: germline.
Comment: This variant is classified as likely benign based on ACMG/AMP sequence variant interpretation guidelines (Richards et al. 2015 PMID: 25741868, with internal and published modifications).

GeneDx
Classification: Likely benign. Last evaluated: 2021-03-17. Review status: criteria provided, single submitter. Criteria: GeneDx Variant Classification Process June 2021. Collection method: clinical testing. Allele origin: germline. Affected: yes.

NM_018429.3(BDP1):c.6808+6A>G

Gene: BDP1 (BDP1 general transcription factor IIIB subunit; plus strand). Cytogenetic location: 5q13.2.
Variant type: single nucleotide variant.
Coding change: c.6808+6A>G on transcript NM_018429.3 (MANE Select); 6 bases into the intron after coding-DNA position 6808, A replaced by G.
Molecular consequence: intron variant.
Genome position (GRCh38, 1-based): chr5:71,548,751, A>G. VCF-style: chr5-71548751-A-G. GRCh37 (hg19) VCF-style: chr5-70844578-A-G.
Other names: c.6808+6A>G (NM_018429.2).
Identifiers: ClinVar variation 1318079 (VCV001318079.3), dbSNP rs192651501, ClinGen allele CA3297341.